The following is an entry in ClinVar:

ClinVar aggregate classification (germline): Pathogenic. Review status: criteria provided, multiple submitters, no conflicts (2 of 4 stars). 2 submissions from 2 submitters: Pathogenic (2). Last evaluated 2023-09-14.

Conditions:
Familial cancer of breast. Also called: Hereditary breast cancer; BREAST CANCER, FAMILIAL; hereditary breast carcinoma. Identifiers: Orphanet 227535, MedGen C0346153, MONDO:0016419, OMIM 114480. Disease mechanism: loss of function.

Allele frequency attached by ClinVar (database versions not stated): gnomAD exomes below 0.00001; ExAC 0.00001.

Submissions (2):

Myriad Genetics, Inc.
Classification: Pathogenic for Familial cancer of breast. Last evaluated: 2023-09-14. Review status: criteria provided, single submitter. Criteria: Myriad Autosomal Dominant, Autosomal Recessive and X-Linked Classification Criteria (2023). Collection method: clinical testing. Allele origin: unknown.
Comment: This variant is considered pathogenic. This variant creates a frameshift predicted to result in premature protein truncation.

Labcorp Genetics (formerly Invitae), Labcorp
Classification: Pathogenic for Familial cancer of breast. Last evaluated: 2023-01-02. Review status: criteria provided, single submitter. Criteria: Invitae Variant Classification Sherloc (09022015). Collection method: clinical testing. Allele origin: germline.
Comment: For these reasons, this variant has been classified as Pathogenic. Algorithms developed to predict the effect of sequence changes on RNA splicing suggest that this variant may disrupt the consensus splice site. This variant has not been reported in the literature in individuals affected with PALB2-related conditions. This variant is present in population databases (rs769163259, gnomAD 0.0009%). This sequence change creates a premature translational stop signal (p.Glu1083Valfs*14) in the PALB2 gene. It is expected to result in an absent or disrupted protein product. Loss-of-function variants in PALB2 are known to be pathogenic (PMID: 17200668, 17200671, 17200672, 24136930, 25099575).

Literature cited by the submitters: PubMed 17200668 (cited by Labcorp Genetics (formerly Invitae), Labcorp); PubMed 17200671 (cited by Labcorp Genetics (formerly Invitae), Labcorp); PubMed 17200672 (cited by Labcorp Genetics (formerly Invitae), Labcorp); PubMed 24136930 (cited by Labcorp Genetics (formerly Invitae), Labcorp); PubMed 25099575 (cited by Labcorp Genetics (formerly Invitae), Labcorp).

NM_024675.4(PALB2):c.3247_3248insT (p.Glu1083fs)

Gene: PALB2 (partner and localizer of BRCA2; minus strand). Cytogenetic location: 16p12.2.
Variant type: Insertion.
Coding change: c.3247_3248insT on transcript NM_024675.4 (MANE Select); coding-DNA positions 3247 to 3248, T inserted.
Protein change: p.Glu1083fs; shifts the reading frame from glutamic acid 1083.
Molecular consequence: frameshift variant. On other transcripts: intron variant (8).
Genome position: GRCh38 VCF-style: chr16-23607966-T-TA. GRCh37 (hg19) VCF-style: chr16-23619287-T-TA.
Other names: c.3187_3188insT, p.Glu1063fs (NM_001407296.1); c.3175_3176insT, p.Glu1059fs (NM_001407297.1); c.3085_3086insT, p.Glu1029fs (NM_001407298.1); c.2968_2969insT, p.Glu990fs (NM_001407300.1); c.2362_2363insT, p.Glu788fs (NM_001407304.1, NM_001407305.1, NM_001407306.1); c.2200_2201insT, p.Glu734fs (NM_001407307.1); c.1459_1460insT, p.Glu487fs (NM_001407312.1); c.781_782insT, p.Glu261fs (NM_001407314.1); and 6 more; short protein forms E1029fs, E1059fs, E1063fs, E1083fs, E261fs, E487fs, E734fs, E788fs.
Identifiers: ClinVar variation 2674136 (VCV002674136.4), dbSNP rs769163259, ClinGen allele CA7963392.